The following is an entry in ClinVar:

NM_032043.3(BRIP1):c.3322G>A (p.Val1108Ile)

Gene: BRIP1 (BRCA1 interacting DNA helicase 1; minus strand). Cytogenetic location: 17q23.2.
Variant type: single nucleotide variant.
Coding change: c.3322G>A on transcript NM_032043.3 (MANE Select); coding-DNA position 3322, G replaced by A.
Protein change: p.Val1108Ile; replaces valine 1108 with isoleucine.
Molecular consequence: missense variant.
Genome position (GRCh38, 1-based): chr17:61,683,724, C>T on the plus strand (G>A on the coding strand, the complement: BRIP1 is on the minus strand). VCF-style: chr17-61683724-C-T. GRCh37 (hg19) VCF-style: chr17-59761085-C-T.
Other names: short protein forms V1108I.
Identifiers: ClinVar variation 577717 (VCV000577717.9), dbSNP rs1275343223, ClinGen allele CA400478985.

ClinVar aggregate classification (germline): Uncertain significance (1 of 4 stars; one submission).

Conditions:
Fanconi anemia complementation group J. Also called: BRIP1-Related Fanconi Anemia. Identifiers: Orphanet 84, MedGen C1836860, MONDO:0012187, OMIM 609054.
Familial cancer of breast. Also called: hereditary breast carcinoma; BREAST CANCER, FAMILIAL; Hereditary breast cancer. Identifiers: Orphanet 227535, MedGen C0346153, MONDO:0016419, OMIM 114480. Disease mechanism: loss of function.

Allele frequency attached by ClinVar (database versions not stated): gnomAD below 0.00001 and 0.00001; gnomAD exomes below 0.00001.
gnomAD v4.1: 2 of 1,613,920 alleles (0.00012%); highest among the groups gnomAD compares: South Asian, 0.0011%; no homozygotes.

Submission:

Labcorp Genetics (formerly Invitae), Labcorp
Classification: Uncertain significance for Familial cancer of breast; Fanconi anemia complementation group J. Last evaluated: 2018-02-02. Review status: criteria provided, single submitter. Criteria: Invitae Variant Classification Sherloc (09022015). Collection method: clinical testing. Allele origin: germline.
Comment: This variant has not been reported in the literature in individuals with BRIP1-related disease. This variant is not present in population databases (ExAC no frequency). This sequence change replaces valine with isoleucine at codon 1108 of the BRIP1 protein (p.Val1108Ile). The valine residue is weakly conserved and there is a small physicochemical difference between valine and isoleucine. Algorithms developed to predict the effect of missense changes on protein structure and function output the following: SIFT: "Tolerated"; PolyPhen-2: "Benign"; Align-GVGD: "Class C0". The isoleucine amino acid residue is found in multiple mammalian species, suggesting that this missense change does not adversely affect protein function. These predictions have not been confirmed by published functional studies and their clinical significance is uncertain. In summary, the available evidence is currently insufficient to determine the role of this variant in disease. Therefore, it has been classified as a Variant of Uncertain Significance.